The following is an entry in ClinVar:

NM_000059.4(BRCA2):c.3400A>G (p.Ser1134Gly)

Gene: BRCA2 (BRCA2 DNA repair associated; plus strand). Cytogenetic location: 13q13.1.
Variant type: single nucleotide variant.
Coding change: c.3400A>G on transcript NM_000059.4 (MANE Select); coding-DNA position 3400, A replaced by G.
Protein change: p.Ser1134Gly; replaces serine 1134 with glycine.
Molecular consequence: missense variant.
Genome position (GRCh38, 1-based): chr13:32,337,755, A>G. VCF-style: chr13-32337755-A-G. GRCh37 (hg19) VCF-style: chr13-32911892-A-G.
Other names: short protein forms S1134G.
Identifiers: ClinVar variation 665558 (VCV000665558.10), dbSNP rs1593899420, ClinGen allele CA387776469.

ClinVar aggregate classification (germline): Conflicting classifications of pathogenicity. Review status: criteria provided, conflicting classifications (1 of 4 stars). 2 submissions from 2 submitters: Uncertain significance (1); Likely benign (1). Last evaluated 2025-10-20.

Conditions:
Hereditary cancer-predisposing syndrome. Also called: Tumor predisposition; Hereditary neoplastic syndrome; Neoplastic Syndromes, Hereditary; Hereditary Cancer Syndrome. Identifiers: Orphanet 140162, MedGen C0027672, MeSH D009386, MONDO:0015356.
Hereditary breast ovarian cancer syndrome. Also called: BRCA1- and BRCA2-Associated Hereditary Breast and Ovarian Cancer; Breast and ovarian cancer; Hereditary breast and ovarian cancer syndrome (HBOC); Hereditary breast and ovarian cancer; Hereditary breast and ovarian cancer syndrome; Hereditary breast and/or ovarian cancer syndrome. Identifiers: Orphanet 145, MedGen C0677776, MeSH D061325, MONDO:0003582. Disease mechanism: loss of function.

Submissions (2):

Labcorp Genetics (formerly Invitae), Labcorp
Classification: Uncertain significance for Hereditary breast ovarian cancer syndrome. Last evaluated: 2025-10-20. Review status: criteria provided, single submitter. Criteria: Invitae Variant Classification Sherloc (09022015). Collection method: clinical testing. Allele origin: germline.
Comment: This sequence change replaces serine, which is neutral and polar, with glycine, which is neutral and non-polar, at codon 1134 of the BRCA2 protein (p.Ser1134Gly). This variant is not present in population databases (gnomAD no frequency). This variant has not been reported in the literature in individuals affected with BRCA2-related conditions. ClinVar contains an entry for this variant (Variation ID: 665558). Invitae Evidence Modeling of protein sequence and biophysical properties (such as structural, functional, and spatial information, amino acid conservation, physicochemical variation, residue mobility, and thermodynamic stability) indicates that this missense variant is not expected to disrupt BRCA2 protein function with a negative predictive value of 95%. In summary, the available evidence is currently insufficient to determine the role of this variant in disease. Therefore, it has been classified as a Variant of Uncertain Significance.

University of Washington Department of Laboratory Medicine, University of Washington
Classification: Likely benign for Hereditary cancer-predisposing syndrome. Last evaluated: 2023-03-23. Review status: criteria provided, single submitter. Criteria: Dines et al. (Genet Med. 2020). Collection method: curation. Allele origin: germline.
Comment: Missense variant in a coldspot region where missense variants are very unlikely to be pathogenic (PMID:31911673).

BRCA2 exon 11 coldspot. Reclassification based on statistical prior probability.